The following is an entry in ClinVar:

NM_000071.3(CBS):c.1238G>A (p.Arg413His)

Gene: CBS (cystathionine beta-synthase; minus strand). Cytogenetic location: 21q22.3.
Variant type: single nucleotide variant.
Coding change: c.1238G>A on transcript NM_000071.3 (MANE Select); coding-DNA position 1238, G replaced by A.
Protein change: p.Arg413His; replaces arginine 413 with histidine.
Molecular consequence: missense variant.
Genome position (GRCh38, 1-based): chr21:43,058,954, C>T on the plus strand (G>A on the coding strand, the complement: CBS is on the minus strand). VCF-style: chr21-43058954-C-T. GRCh37 (hg19) VCF-style: chr21-44479064-C-T.
Other names: c.1238G>A, p.Arg413His (NM_001178008.3, NM_001178009.3, NM_001320298.2); c.923G>A, p.Arg308His (NM_001321072.1); short protein forms R413H, R308H.
Identifiers: ClinVar variation 2137133 (VCV002137133.2), dbSNP rs574577579, ClinGen allele CA321688083.
Genomic context (GRCh38, chr21:43,058,954, plus strand): 5'-TGCCCACAGGTGATGGTCGGGAGCACGGTCAGCGGGGCTGACAGGCCCAGCTCCTGAACA[C>T]GGAGGTGCCACCACCTGAGGGAAGAGGGCAGGTCGGGGGGATCAGGATAAGGACAAACGC-3'
Protein context (NP_000062.1, residues 403-423): TEKKPWWWHL[Arg413His]VQELGLSAPL

ClinVar aggregate classification (germline): Uncertain significance. Review status: criteria provided, multiple submitters, no conflicts (2 of 4 stars). 2 submissions from 2 submitters: Uncertain significance (2). Last evaluated 2025-09-18.

Conditions:
Familial thoracic aortic aneurysm and aortic dissection (TAAD). Also called: Thoracic aortic aneurysms and dissections. Identifiers: Orphanet 91387, MedGen C4707243, MONDO:0019625.
HYPERHOMOCYSTEINEMIA, THROMBOTIC, CBS-RELATED. Identifiers: MedGen C3150344, OMIM 236200.

Allele frequency attached by ClinVar (database versions not stated): ExAC 0.00005; 1000 Genomes Project 0.00020.

Submissions (2):

Ambry Genetics
Classification: Uncertain significance for Familial thoracic aortic aneurysm and aortic dissection. Last evaluated: 2025-09-18. Review status: criteria provided, single submitter. Criteria: Ambry Variant Classification Scheme 2023. Collection method: clinical testing. Allele origin: germline.
Comment: The p.R413H variant (also known as c.1238G>A), located in coding exon 12 of the CBS gene, results from a G to A substitution at nucleotide position 1238. The arginine at codon 413 is replaced by histidine, an amino acid with highly similar properties. This amino acid position is poorly conserved in available vertebrate species. In addition, the in silico prediction for this alteration is inconclusive. Based on the available evidence, the clinical significance of this variant remains unclear.

Labcorp Genetics (formerly Invitae), Labcorp
Classification: Uncertain significance for HYPERHOMOCYSTEINEMIA, THROMBOTIC, CBS-RELATED. Last evaluated: 2022-05-07. Review status: criteria provided, single submitter. Criteria: Invitae Variant Classification Sherloc (09022015). Collection method: clinical testing. Allele origin: germline.
Comment: This sequence change replaces arginine, which is basic and polar, with histidine, which is basic and polar, at codon 413 of the CBS protein (p.Arg413His). The frequency data for this variant in the population databases is considered unreliable, as metrics indicate poor data quality at this position in the gnomAD database. This variant has not been reported in the literature in individuals affected with CBS-related conditions. Algorithms developed to predict the effect of missense changes on protein structure and function output the following: SIFT: "Tolerated"; PolyPhen-2: "Benign"; Align-GVGD: "Class C0". The histidine amino acid residue is found in multiple mammalian species, which suggests that this missense change does not adversely affect protein function. In summary, the available evidence is currently insufficient to determine the role of this variant in disease. Therefore, it has been classified as a Variant of Uncertain Significance.